The following is an entry in ClinVar:

NM_004415.4(DSP):c.5994G>A (p.Lys1998=)

Gene: DSP (desmoplakin; plus strand). Cytogenetic location: 6p24.3.
Variant type: single nucleotide variant.
Coding change: c.5994G>A on transcript NM_004415.4 (MANE Select); coding-DNA position 5994, G replaced by A.
Protein change: p.Lys1998=; no amino-acid change (lysine 1998 retained).
Molecular consequence: synonymous variant.
Genome position (GRCh38, 1-based): chr6:7,583,256, G>A. VCF-style: chr6-7583256-G-A. GRCh37 (hg19) VCF-style: chr6-7583489-G-A.
Other names: c.4197G>A, p.Lys1399= (NM_001008844.3); c.4665G>A, p.Lys1555= (NM_001319034.2).
Identifiers: ClinVar variation 3386696 (VCV003386696.1).
Genomic context (GRCh38, chr6:7,583,256, plus strand): 5'-GCAGCTCTATGAGTGTCAGCTGATCGACAAAACAACCTTGGACAAACTATTGAAGGGGAA[G>A]AAGTCAGTGGAAGAAGTTGCTTCTGAAATCCAGCCATTCCTTCGGGGTGCAGGATCTATC-3'
Protein context (NP_004406.2, residues 1988-2008): KTTLDKLLKG[Lys1998=]KSVEEVASEI

ClinVar aggregate classification (germline): Likely benign (1 of 4 stars; one submission).

Conditions:
Arrhythmogenic cardiomyopathy with wooly hair and keratoderma. Also called: Carvajal syndrome; PALMOPLANTAR KERATODERMA WITH LEFT VENTRICULAR CARDIOMYOPATHY AND WOOLLY HAIR; Dilated cardiomyopathy with woolly hair and keratoderma; Arrhythmogenic cardiomyopathy with woolly hair and keratoderma. Identifiers: Orphanet 65282, MedGen C1854063, MONDO:0011581, OMIM 605676.

gnomAD v4.1: 2 of 1,614,170 alleles (0.00012%); highest among the groups gnomAD compares: Non-Finnish European, 0.00017%; no homozygotes.

Submission:

All of Us Research Program, National Institutes of Health
Classification: Likely benign for Arrhythmogenic cardiomyopathy with wooly hair and keratoderma. Last evaluated: 2024-07-10. Review status: criteria provided, single submitter. Criteria: ACMG Guidelines, 2015. Collection method: clinical testing. Allele origin: germline. Inheritance: Autosomal dominant inheritance. Observed: 1 variant allele, 1 heterozygote.
Comment: This study involves interpretation of variants in research participants for the purpose of population health screening. Participant phenotype was not available at the time of variant classification. Additional details can be found in publication PMID: 35346344, PMCID: PMC8962531